The following is an entry in ClinVar:

ClinVar aggregate classification (germline): Uncertain significance (1 of 4 stars; one submission).

Conditions:
Microcephaly, normal intelligence and immunodeficiency (NBS). Also called: Nijmegen breakage syndrome; Microcephaly with normal intelligence immunodeficiency and lymphoreticular malignancies; Nonsyndromal microcephaly autosomal recessive with normal intelligence; Seemanova syndrome 2; BERLIN BREAKAGE SYNDROME; IMMUNODEFICIENCY, MICROCEPHALY, AND CHROMOSOMAL INSTABILITY. Identifiers: Orphanet 647, MedGen C0398791, MONDO:0009623, OMIM 251260.

Submission:

Labcorp Genetics (formerly Invitae), Labcorp
Classification: Uncertain significance for Microcephaly, normal intelligence and immunodeficiency. Last evaluated: 2023-11-03. Review status: criteria provided, single submitter. Criteria: Invitae Variant Classification Sherloc (09022015). Collection method: clinical testing. Allele origin: germline.
Comment: This sequence change replaces histidine, which is basic and polar, with proline, which is neutral and non-polar, at codon 701 of the NBN protein (p.His701Pro). This variant is not present in population databases (gnomAD no frequency). This variant has not been reported in the literature in individuals affected with NBN-related conditions. An algorithm developed to predict the effect of missense changes on protein structure and function (PolyPhen-2) suggests that this variant is likely to be disruptive. In summary, the available evidence is currently insufficient to determine the role of this variant in disease. Therefore, it has been classified as a Variant of Uncertain Significance.

NM_002485.5(NBN):c.2102A>C (p.His701Pro)

Gene: NBN (nibrin; minus strand). Cytogenetic location: 8q21.3.
Variant type: single nucleotide variant.
Coding change: c.2102A>C on transcript NM_002485.5 (MANE Select); coding-DNA position 2102, A replaced by C.
Protein change: p.His701Pro; replaces histidine 701 with proline.
Molecular consequence: missense variant.
Genome position (GRCh38, 1-based): chr8:89,943,335, T>G on the plus strand (A>C on the coding strand, the complement: NBN is on the minus strand). VCF-style: chr8-89943335-T-G. GRCh37 (hg19) VCF-style: chr8-90955563-T-G.
Other names: c.1856A>C, p.His619Pro (NM_001024688.3); short protein forms H701P, H619P.
Identifiers: ClinVar variation 2692909 (VCV002692909.3), dbSNP rs2130755980, ClinGen allele CA371675728.